The following is an entry in ClinVar:

ClinVar aggregate classification (germline): Pathogenic (1 of 4 stars; one submission).

Conditions:
Hereditary cancer-predisposing syndrome. Also called: Neoplastic Syndromes, Hereditary; Hereditary Cancer Syndrome; Tumor predisposition; Hereditary neoplastic syndrome. Identifiers: Orphanet 140162, MedGen C0027672, MeSH D009386, MONDO:0015356.

Submission:

Color Diagnostics, LLC DBA Color Health
Classification: Pathogenic for Hereditary cancer-predisposing syndrome. Last evaluated: 2020-01-15. Review status: criteria provided, single submitter. Criteria: ACMG Guidelines, 2015. Collection method: clinical testing. Allele origin: germline.
Comment: This variant deletes 4 nucleotides in exon 10 of the BRCA1 gene, creating a frameshift and premature translation stop signal. This variant is expected to result in an absent or non-functional protein product. This variant has not been identified in the general population by the Genome Aggregation Database (gnomAD). Loss of BRCA1 function is a known mechanism of disease. Based on the available evidence, this variant is classified as Pathogenic.

NM_007294.4(BRCA1):c.3226_3229del (p.Arg1076fs)

Genes: BRCA1 (BRCA1 DNA repair associated; minus strand), LOC126862571 (BRD4-independent group 4 enhancer GRCh37_chr17:41243136-41244335; plus strand). Cytogenetic location: 17q21.31.
Variant type: Deletion.
Coding change: c.3226_3229del on transcript NM_007294.4 (MANE Select); coding-DNA positions 3226 to 3229, 4 bases deleted (AGAG; older notation c.3226_3229delAGAG).
Protein change: p.Arg1076fs; shifts the reading frame from arginine 1076.
Molecular consequence: frameshift variant. On other transcripts: intron variant (137).
Genome position (GRCh38, 1-based): chr17:43,092,302-43,092,305, CTCT deleted on the plus strand (AGAG on the coding strand, the reverse complement: BRCA1 is on the minus strand). VCF-style (leftmost placement, unchanged base first): chr17-43092301-CCTCT-C. GRCh37 (hg19) VCF-style: chr17-41244318-CCTCT-C.
Other names: c.788-1273_788-1270del (NM_001407973.1, NM_001408403.1, NM_001407983.1 and 17 more transcripts); c.2959_2962del, p.Arg987fs (NM_001407930.1, NM_001407931.1, NM_001407932.1 and 2 more transcripts); c.2962_2965del, p.Arg988fs (NM_001407933.1, NM_001407920.1, NM_001407921.1 and 9 more transcripts); c.647-1273_647-1270del (NM_001408457.1, NM_001408455.1, NM_001408466.1 and 11 more transcripts); c.404-1273_404-1270del (NM_001408511.1); c.461-1273_461-1270del (NM_001408507.1, NM_001408506.1); c.545-1273_545-1270del (NM_001408495.1); c.521-1273_521-1270del (NM_001408505.1, NM_001408503.1, NM_001408504.1); and 42 more; short protein forms R1029fs, R1076fs, R1009fs, R1049fs, R908fs, R948fs, R1006fs, R1073fs.
Identifiers: ClinVar variation 928179 (VCV000928179.4), dbSNP rs2053623304, ClinGen allele CA913187837.